The following is an entry in ClinVar:

NM_000376.3(VDR):c.909C>T (p.Ala303=)

Gene: VDR (vitamin D receptor; minus strand). Cytogenetic location: 12q13.11.
Variant type: single nucleotide variant.
Coding change: c.909C>T on transcript NM_000376.3 (MANE Select); coding-DNA position 909, C replaced by T.
Protein change: p.Ala303=; no amino-acid change (alanine 303 retained).
Molecular consequence: synonymous variant.
Genome position (GRCh38, 1-based): chr12:47,846,450, G>A on the plus strand (C>T on the coding strand, the complement: VDR is on the minus strand). VCF-style: chr12-47846450-G-A. GRCh37 (hg19) VCF-style: chr12-48240233-G-A.
Other names: c.909C>T, p.Ala303= (NM_001017535.2, NM_001364085.2, NM_001374661.1 and 1 more transcripts); c.1059C>T, p.Ala353= (NM_001017536.2).
Identifiers: ClinVar variation 308880 (VCV000308880.39), dbSNP rs12721365, ClinGen allele CA6533813.

ClinVar aggregate classification (germline): Conflicting classifications of pathogenicity. Review status: criteria provided, conflicting classifications (1 of 4 stars). 7 submissions from 7 submitters: Uncertain significance (1); Benign (2); Likely benign (4). Last evaluated 2026-08-01.

Conditions:
Vitamin D-dependent rickets type II with alopecia (VDDR2A). Also called: Vitamin D-dependent rickets, type 2A; PDDR IIA; PSEUDOVITAMIN D-DEFICIENCY, TYPE IIA; RICKETS, HEREDITARY VITAMIN D-RESISTANT; RICKETS-ALOPECIA SYNDROME; VITAMIN D-DEPENDENT RICKETS, TYPE 2A, WITH OR WITHOUT ALOPECIA. Identifiers: Orphanet 93160, MedGen C0342646, MONDO:0010186, OMIM 277440.

Allele frequency attached by ClinVar (database versions not stated): 1000 Genomes Project 0.00120; 1000 Genomes Project 30x 0.00141; TOPMed 0.00171; gnomAD 0.00195 and 0.00196; gnomAD exomes 0.00204; ESP Exome Variant Server 0.00231; ExAC 0.00340.

Submissions (7):

CeGaT Center for Human Genetics Tuebingen
Classification: Likely benign. Last evaluated: 2026-08-01. Review status: criteria provided, single submitter. Criteria: CeGaT Center For Human Genetics Tuebingen Variant Classification Criteria Version 2. Collection method: clinical testing. Allele origin: germline. Affected: yes. Observed: 5 variant alleles.
Comment: VDR: BP4, BP7

Labcorp Genetics (formerly Invitae), Labcorp
Classification: Benign. Last evaluated: 2026-01-24. Review status: criteria provided, single submitter. Criteria: Invitae Variant Classification Sherloc (09022015). Collection method: clinical testing. Allele origin: germline.

Women's Health and Genetics/Laboratory Corporation of America, LabCorp
Classification: Benign. Last evaluated: 2025-07-16. Review status: criteria provided, single submitter. Criteria: LabCorp Variant Classification Summary - May 2015. Collection method: clinical testing. Allele origin: germline.
Comment: Variant summary: VDR c.909C>T (p.Ala303Ala) alters a nucleotide located close to a canonical splice site and therefore could affect mRNA splicing, leading to a significantly altered protein sequence. Consensus agreement among computation tools predict no significant impact on normal splicing. However, these predictions have yet to be confirmed by functional studies. The variant allele was found at a frequency of 0.002 in 171526 control chromosomes, predominantly at a frequency of 0.0033 within the Non-Finnish European subpopulation in the gnomAD database. The observed variant frequency within Non-Finnish European control individuals in the gnomAD database exceeds the estimated maximal expected allele frequency for a pathogenic variant in VDR causing Vitamin D-Dependent Rickets Type II With Alopecia phenotype. c.909C>T has been observed in individual(s) affected with hypophosphatemia (Puente-Ruiz_2023). These report(s) do not provide unequivocal conclusions about association of the variant with Vitamin D-Dependent Rickets Type II With Alopecia. The following publication has been ascertained in the context of this evaluation (PMID: 36999651). ClinVar contains an entry for this variant (Variation ID: 308880). Based on the evidence outlined above, the variant was classified as benign.

Blueprint Genetics
Classification: Likely benign. Last evaluated: 2024-11-26. Review status: criteria provided, single submitter. Criteria: ACMG Guidelines, 2015. Collection method: clinical testing. Allele origin: germline.

GeneDx
Classification: Likely benign. Last evaluated: 2021-05-18. Review status: criteria provided, single submitter. Criteria: GeneDx Variant Classification Process June 2021. Collection method: clinical testing. Allele origin: germline. Affected: yes.

Illumina Laboratory Services, Illumina
Classification: Uncertain significance for Vitamin D-dependent rickets type II with alopecia. Last evaluated: 2018-01-13. Review status: criteria provided, single submitter. Criteria: ICSL Variant Classification Criteria 13 December 2019. Collection method: clinical testing. Allele origin: germline.

Genetic Services Laboratory, University of Chicago
Classification: Likely benign. Last evaluated: 2016-11-07. Review status: criteria provided, single submitter. Criteria: ACMG Guidelines, 2015. Collection method: clinical testing. Allele origin: germline. Affected: no.

Literature cited by the submitters: PubMed 36999651 (cited by Women's Health and Genetics/Laboratory Corporation of America, LabCorp).